The following is an entry in ClinVar:

NM_001145475.3(FAM186A):c.4399T>C (p.Leu1467=)

Gene: FAM186A (family with sequence similarity 186 member A; minus strand). Cytogenetic location: 12q13.12.
Variant type: single nucleotide variant.
Coding change: c.4399T>C on transcript NM_001145475.3 (MANE Select); coding-DNA position 4399, T replaced by C.
Protein change: p.Leu1467=; no amino-acid change (leucine 1467 retained).
Molecular consequence: synonymous variant.
Genome position (GRCh38, 1-based): chr12:50,352,433, A>G on the plus strand (T>C on the coding strand, the complement: FAM186A is on the minus strand). VCF-style: chr12-50352433-A-G. GRCh37 (hg19) VCF-style: chr12-50746216-A-G.
Identifiers: ClinVar variation 4083544 (VCV004083544.8).
Genomic context (GRCh38, chr12:50,352,433, plus strand): 5'-GCGGAGGGATGAGAGGGATCCCCAGGGCCTGGGCCTGCTGAGGGGTGAGAGGGATCCCCA[A>G]TTCCTGAGCCTGCTGAGGGGTGAGAGTGATCCCCAGCTCCTGAGCCTGCTGAGCGGTGAG-3'
Protein context (NP_001138947.1, residues 1457-1477): ITLTPQQAQE[Leu1467=]GIPLTPQQAQ

ClinVar aggregate classification (germline): Likely benign (1 of 4 stars; one submission).

Submission:

CeGaT Center for Human Genetics Tuebingen
Classification: Likely benign. Last evaluated: 2025-07-01. Review status: criteria provided, single submitter. Criteria: CeGaT Center For Human Genetics Tuebingen Variant Classification Criteria Version 2. Collection method: clinical testing. Allele origin: germline. Affected: yes. Observed: 1 variant allele.
Comment: FAM186A: BP4, BP7